The following is an entry in ClinVar:

ClinVar aggregate classification (germline): Uncertain significance (1 of 4 stars; one submission).

Conditions:
Noonan syndrome 9 (NS9). Identifiers: Orphanet 648, MedGen C4225282, MONDO:0014691, OMIM 616559.

Submission:

New York Genome Center
Classification: Uncertain significance for Noonan syndrome 9. Last evaluated: 2021-07-16. Review status: criteria provided, single submitter. Criteria: NYGC Assertion Criteria 2020. Collection method: clinical testing. Allele origin: de novo. Observed: 1 heterozygote. Study: CSER-NYCKidSeq.
Comment: The de novo c.*234G>A variant identified in the SOS2 gene is the substitution of a moderately conserved Cytosine for Thymine (at the DNA level) in the 3'UTR of SOS2. This variant is absent from gnomAD(v3.1.1) suggesting it is not a common benign variant in the populations represented in that database. This variant is absent from ClinVar and to our current knowledge has not been reported in affected individuals in the literature. While it is present de novo in the affected individual and absent in population databases, the lack of uncertainty regarding the functional consequence of the 3'UTR c.*234G>A variant identified in the SOS2 gene results in its classification as a Variant of Uncertain Significance.

NM_006939.4(SOS2):c.*234G>A

Gene: SOS2 (SOS Ras/Rho guanine nucleotide exchange factor 2; minus strand). Cytogenetic location: 14q21.3.
Variant type: single nucleotide variant.
Coding change: c.*234G>A on transcript NM_006939.4 (MANE Select); 234 bases downstream of the stop codon, G replaced by A.
Molecular consequence: 3 prime UTR variant.
Genome position (GRCh38, 1-based): chr14:50,118,110, C>T on the plus strand (G>A on the coding strand, the complement: SOS2 is on the minus strand). VCF-style: chr14-50118110-C-T. GRCh37 (hg19) VCF-style: chr14-50584828-C-T.
Identifiers: ClinVar variation 1696514 (VCV001696514.1), dbSNP rs2139461520, ClinGen allele CA2580088157.
Genomic context (GRCh38, chr14:50,118,110, plus strand): 5'-GTCACTTTAAACCATATTTTTGCAGAGTTTACAGTGCAAATATAAATTCTTTATACTGGC[C>T]TTTTGGCAGCACTGAGGATCCAAGACAAGGCAATGCTACTGATCACCTGAGGATAATGGT-3'